The following is an entry in ClinVar:

ClinVar aggregate classification (germline): Uncertain significance. Review status: criteria provided, multiple submitters, no conflicts (2 of 4 stars). 2 submissions from 2 submitters: Uncertain significance (2). Last evaluated 2026-06-11.

Conditions:
Inborn genetic diseases. Identifiers: MedGen C0950123, MeSH D030342.

gnomAD v4.1: 1 of 1,612,764 alleles (0.000062%); highest among the groups gnomAD compares: Non-Finnish European, 0.000085%; no homozygotes.

Submissions (2):

Women's Health and Genetics/Laboratory Corporation of America, LabCorp
Classification: Uncertain significance. Last evaluated: 2026-06-11. Review status: criteria provided, single submitter. Criteria: LabCorp Variant Classification Summary - May 2015. Collection method: clinical testing. Allele origin: germline.
Comment: Variant summary: TBXA2R c.134C>T (p.Ala45Val) results in a non-conservative amino acid change in the encoded protein sequence. Algorithms developed to predict the effect of missense changes on protein structure and function are either unavailable or do not agree on the potential impact of this missense change. The variant was absent in 242670 control chromosomes. The available data on variant occurrences in the general population are insufficient to allow any conclusion about variant significance. To our knowledge, no occurrence of c.134C>T in individuals affected with TBXA2R-related conditions and no experimental evidence demonstrating its impact on protein function have been reported. ClinVar contains an entry for this variant (Variation ID: 4632824). Based on the evidence outlined above, the variant was classified as uncertain significance.

Ambry Genetics
Classification: Uncertain significance for Inborn genetic diseases. Last evaluated: 2025-10-08. Review status: criteria provided, single submitter. Criteria: Ambry Variant Classification Scheme 2023. Collection method: clinical testing. Allele origin: germline.

NM_001060.6(TBXA2R):c.134C>T (p.Ala45Val)

Gene: TBXA2R (thromboxane A2 receptor; minus strand). Cytogenetic location: 19p13.3.
Variant type: single nucleotide variant.
Coding change: c.134C>T on transcript NM_001060.6 (MANE Select); coding-DNA position 134, C replaced by T.
Protein change: p.Ala45Val; replaces alanine 45 with valine.
Molecular consequence: missense variant.
Genome position (GRCh38, 1-based): chr19:3,600,501, G>A on the plus strand (C>T on the coding strand, the complement: TBXA2R is on the minus strand). VCF-style: chr19-3600501-G-A. GRCh37 (hg19) VCF-style: chr19-3600499-G-A.
Other names: c.134C>T, p.Ala45Val (NM_201636.3); short protein forms A45V.
Identifiers: ClinVar variation 4632824 (VCV004632824.2).
Genomic context (GRCh38, chr19:3,600,501, plus strand): 5'-GTGAGGAAGGAGGAGCGCGTGTGCGAACCCCCCTGCCGCGCGCCCGCCAGCACGCTCAGG[G>A]CCAGCAGGTTGGAGGCCAGGCCCACCACGCAGAAGGAGGCGGCGAACCAGGGCGAGGCGA-3'
Protein context (NP_001051.1, residues 35-55): CVVGLASNLL[Ala45Val]LSVLAGARQG